The following is an entry in ClinVar:

NM_014363.6(SACS):c.7486C>G (p.Leu2496Val)

Gene: SACS (sacsin molecular chaperone; minus strand). Cytogenetic location: 13q12.12.
Variant type: single nucleotide variant.
Coding change: c.7486C>G on transcript NM_014363.6 (MANE Select); coding-DNA position 7486, C replaced by G.
Protein change: p.Leu2496Val; replaces leucine 2496 with valine.
Molecular consequence: missense variant.
Genome position (GRCh38, 1-based): chr13:23,336,390, G>C on the plus strand (C>G on the coding strand, the complement: SACS is on the minus strand). VCF-style: chr13-23336390-G-C. GRCh37 (hg19) VCF-style: chr13-23910529-G-C.
Other names: c.7045C>G, p.Leu2349Val (NM_001278055.2); c.7513C>G, p.Leu2505Val (NM_001437336.1); short protein forms L2349V, L2496V, L2505V.
Identifiers: ClinVar variation 4682216 (VCV004682216.1).
Genomic context (GRCh38, chr13:23,336,390, plus strand): 5'-TAAAACAGACATTGGATGCATATCTTTCTAAGGCTTTGTGTCGCTTTGGGACTGCTCCTA[G>C]TTTTACTGCTACTTCCCTGGGTATGTCAGCATGACAATATTTTACAGTGGTATCCTTTAC-3'
Protein context (NP_055178.3, residues 2486-2506): ADIPREVAVK[Leu2496Val]GAVPKRHKAL

ClinVar aggregate classification (germline): Uncertain significance (1 of 4 stars; one submission).

gnomAD v4.1: 4 of 1,614,072 alleles (0.00025%); highest among the groups gnomAD compares: East Asian, 0.0022%; no homozygotes.

Submission:

Athena Diagnostics
Classification: Uncertain significance. Last evaluated: 2024-12-26. Review status: criteria provided, single submitter. Criteria: Athena Diagnostics Criteria. Collection method: clinical testing. Allele origin: unknown.
Comment: Available data are insufficient to determine the clinical significance of the variant at this time. The frequency of this variant in the general population is uninformative in assessment of its pathogenicity. Computational tools yielded predictions that this variant may result in the gain of a cryptic splice site without affecting the natural splice sites. Polyphen and MutationTaster predict this amino acid change may be damaging to the protein.